The following is an entry in ClinVar:

ClinVar aggregate classification (germline): Likely benign (0 of 4 stars; one submission).

Conditions:
IQCB1-related disorder. Also called: IQCB1-related condition.

Submission:

PreventionGenetics, part of Exact Sciences
Classification: Likely benign for IQCB1-related condition. Last evaluated: 2020-11-09. Review status: no assertion criteria provided. Collection method: clinical testing. Allele origin: germline.
Comment: This variant is classified as likely benign based on ACMG/AMP sequence variant interpretation guidelines (Richards et al. 2015 PMID: 25741868, with internal and published modifications).

NM_001023570.4(IQCB1):c.1416T>G (p.Ser472=)

Gene: IQCB1 (IQ motif containing B1; minus strand). Cytogenetic location: 3q13.33.
Variant type: single nucleotide variant.
Coding change: c.1416T>G on transcript NM_001023570.4 (MANE Select); coding-DNA position 1416, T replaced by G.
Protein change: p.Ser472=; no amino-acid change (serine 472 retained).
Molecular consequence: synonymous variant. On other transcripts: non-coding transcript variant (1).
Genome position (GRCh38, 1-based): chr3:121,772,708, A>C on the plus strand (T>G on the coding strand, the complement: IQCB1 is on the minus strand). VCF-style: chr3-121772708-A-C. GRCh37 (hg19) VCF-style: chr3-121491555-A-C.
Other names: c.1017T>G, p.Ser339= (NM_001023571.4); c.1416T>G, p.Ser472= (NM_001319107.2).
Identifiers: ClinVar variation 3031375 (VCV003031375.2), dbSNP rs2547582421, ClinGen allele CA435246729.